The following is an entry in ClinVar:

ClinVar aggregate classification (germline): Benign. Review status: criteria provided, multiple submitters, no conflicts (2 of 4 stars). 2 submissions from 2 submitters: Benign (2). Last evaluated 2026-01-24.

Conditions:
Emery-Dreifuss muscular dystrophy (EDMD). Also called: Scapuloperoneal syndrome, X-linked (formerly); Humeroperoneal neuromuscular disease, (formerly). Identifiers: Orphanet 261, MedGen C0410189, MONDO:0016830.

Allele frequency attached by ClinVar (database versions not stated): gnomAD exomes 0.00077 and 0.00216; ExAC 0.00268; 1000 Genomes Project 0.00599; 1000 Genomes Project 30x 0.00750; gnomAD 0.00812 and 0.00890; ESP Exome Variant Server 0.00823; TOPMed 0.00926.
gnomAD v4.1: 2,375 of 1,613,772 alleles (0.15%); highest among the groups gnomAD compares: African/African-American, 2.8%; 29 homozygotes.

Submissions (6):

Labcorp Genetics (formerly Invitae), Labcorp
Classification: Benign for Emery-Dreifuss muscular dystrophy. Last evaluated: 2026-01-24. Review status: criteria provided, single submitter. Criteria: Invitae Variant Classification Sherloc (09022015). Collection method: clinical testing. Allele origin: germline.

Mayo Clinic Laboratories, Mayo Clinic
Classification: Benign. Last evaluated: 2025-02-14. Review status: criteria provided, single submitter. Criteria: ACMG Guidelines, 2015. Collection method: clinical testing. Allele origin: germline. Observed: 4 variant alleles.
Comment: BS1, BS2, BP4, BP7

Dr. Peter K. Rogan Lab, Western University
No classification provided (evidence only). Condition: Lung cancer. Review status: no classification provided. Collection method: in vitro. Allele origin: not applicable. Functional consequence: retained intron. Not counted in ClinVar's aggregate classification.

Dr. Peter K. Rogan Lab, Western University
No classification provided (evidence only). Condition: Uterine corpus endometrial carcinoma. Review status: no classification provided. Collection method: in vitro. Allele origin: not applicable. Functional consequence: retained intron. Not counted in ClinVar's aggregate classification.

Dr. Peter K. Rogan Lab, Western University
No classification provided (evidence only). Condition: Cervical cancer. Review status: no classification provided. Collection method: in vitro. Allele origin: not applicable. Functional consequence: retained intron. Not counted in ClinVar's aggregate classification.

Dr. Peter K. Rogan Lab, Western University
No classification provided (evidence only). Condition: Gastric cancer. Review status: no classification provided. Collection method: in vitro. Allele origin: not applicable. Functional consequence: retained intron. Not counted in ClinVar's aggregate classification.

NM_015374.3(SUN2):c.614+6C>T

Gene: SUN2 (Sad1 and UNC84 domain containing 2; minus strand). Cytogenetic location: 22q13.1.
Variant type: single nucleotide variant.
Coding change: c.614+6C>T on transcript NM_015374.3 (MANE Select); 6 bases into the intron after coding-DNA position 614, C replaced by T.
Molecular consequence: intron variant.
Genome position (GRCh38, 1-based): chr22:38,749,760, G>A on the plus strand (C>T on the coding strand, the complement: SUN2 is on the minus strand). VCF-style: chr22-38749760-G-A. GRCh37 (hg19) VCF-style: chr22-39145765-G-A.
Other names: p.?; c.677+6C>T (NM_001199579.2); c.614+6C>T (NM_001199580.2).
Identifiers: ClinVar variation 461690 (VCV000461690.15), dbSNP rs116680988, ClinGen allele CA10235864.